The following is an entry in ClinVar:

NM_001101.5(ACTB):c.124-3C>T

Gene: ACTB (actin beta; minus strand). Cytogenetic location: 7p22.1.
Variant type: single nucleotide variant.
Coding change: c.124-3C>T on transcript NM_001101.5 (MANE Select); 3 bases into the intron before coding-DNA position 124, C replaced by T.
Molecular consequence: intron variant.
Genome position (GRCh38, 1-based): chr7:5,529,403, G>A on the plus strand (C>T on the coding strand, the complement: ACTB is on the minus strand). VCF-style: chr7-5529403-G-A. GRCh37 (hg19) VCF-style: chr7-5569034-G-A.
Other names: c.124-3C>T (LRG_132t1).
Identifiers: ClinVar variation 578597 (VCV000578597.7), dbSNP rs1189379541, ClinGen allele CA572821938.

ClinVar aggregate classification (germline): Conflicting classifications of pathogenicity. Review status: criteria provided, conflicting classifications (1 of 4 stars). 2 submissions from 2 submitters: Uncertain significance (1); Likely benign (1). Last evaluated 2025-11-24.

Conditions:
Baraitser-Winter syndrome 1 (BRWS1). Also called: Cerebrofrontofacial syndrome; BARAITSER-WINTER SYNDROME 1, ATYPICAL; PACHYGYRIA, MENTAL RETARDATION, EPILEPSY, AND CHARACTERISTIC FACIES; MENTAL RETARDATION WITH EPILEPSY AND CHARACTERISTIC FACIES. Identifiers: Orphanet 2649, Orphanet 2995, MedGen C1855722, MONDO:0009470, OMIM 243310.
Inborn genetic diseases. Identifiers: MedGen C0950123, MeSH D030342.

Allele frequency attached by ClinVar (database versions not stated): gnomAD exomes 0.00002.

Submissions (2):

Labcorp Genetics (formerly Invitae), Labcorp
Classification: Uncertain significance for Baraitser-Winter syndrome 1. Last evaluated: 2025-11-24. Review status: criteria provided, single submitter. Criteria: Invitae Variant Classification Sherloc (09022015). Collection method: clinical testing. Allele origin: germline.
Comment: This sequence change falls in intron 2 of the ACTB gene. It does not directly change the encoded amino acid sequence of the ACTB protein. It affects a nucleotide within the consensus splice site. This variant is present in population databases (no rsID available, gnomAD 0.009%). This variant has not been reported in the literature in individuals affected with ACTB-related conditions. ClinVar contains an entry for this variant (Variation ID: 578597). Variants that disrupt the consensus splice site are a relatively common cause of aberrant splicing (PMID: 17576681, 9536098). Algorithms developed to predict the effect of sequence changes on RNA splicing suggest that this variant is not likely to affect RNA splicing. In summary, the available evidence is currently insufficient to determine the role of this variant in disease. Therefore, it has been classified as a Variant of Uncertain Significance.

Ambry Genetics
Classification: Likely benign for Inborn genetic diseases. Last evaluated: 2021-05-25. Review status: criteria provided, single submitter. Criteria: Ambry Variant Classification Scheme 2023. Collection method: clinical testing. Allele origin: germline.

Literature cited by the submitters: PubMed 17576681 (cited by Labcorp Genetics (formerly Invitae), Labcorp); PubMed 9536098 (cited by Labcorp Genetics (formerly Invitae), Labcorp).